The following is an entry in ClinVar:

NM_031935.3(HMCN1):c.15724G>T (p.Asp5242Tyr)

Gene: HMCN1 (hemicentin 1; plus strand). Cytogenetic location: 1q31.1.
Variant type: single nucleotide variant.
Coding change: c.15724G>T on transcript NM_031935.3 (MANE Select); coding-DNA position 15724, G replaced by T.
Protein change: p.Asp5242Tyr; replaces aspartic acid 5242 with tyrosine.
Molecular consequence: missense variant.
Genome position (GRCh38, 1-based): chr1:186,172,041, G>T. VCF-style: chr1-186172041-G-T. GRCh37 (hg19) VCF-style: chr1-186141173-G-T.
Other names: short protein forms D5242Y.
Identifiers: ClinVar variation 3019408 (VCV003019408.3), dbSNP rs769999505, ClinGen allele CA1295357.

ClinVar aggregate classification (germline): Uncertain significance (1 of 4 stars; one submission).

Allele frequency attached by ClinVar (database versions not stated): ExAC 0.00001; gnomAD 0.00001; TOPMed 0.00001.
gnomAD v4.1: 9 of 1,613,542 alleles (0.00056%); highest among the groups gnomAD compares: Non-Finnish European, 0.00076%; no homozygotes.

Submission:

Labcorp Genetics (formerly Invitae), Labcorp
Classification: Uncertain significance. Last evaluated: 2023-03-16. Review status: criteria provided, single submitter. Criteria: Invitae Variant Classification Sherloc (09022015). Collection method: clinical testing. Allele origin: germline.
Comment: In summary, the available evidence is currently insufficient to determine the role of this variant in disease. Therefore, it has been classified as a Variant of Uncertain Significance. An algorithm developed to predict the effect of missense changes on protein structure and function (PolyPhen-2) suggests that this variant is likely to be disruptive. This variant has not been reported in the literature in individuals affected with HMCN1-related conditions. This variant is present in population databases (rs769999505, gnomAD 0.0009%). This sequence change replaces aspartic acid, which is acidic and polar, with tyrosine, which is neutral and polar, at codon 5242 of the HMCN1 protein (p.Asp5242Tyr).